The following is an entry in ClinVar:

NM_001025603.2(RFX5):c.635C>T (p.Ala212Val)

Gene: RFX5 (regulatory factor X5; minus strand). Cytogenetic location: 1q21.3.
Variant type: single nucleotide variant.
Coding change: c.635C>T on transcript NM_001025603.2 (MANE Select); coding-DNA position 635, C replaced by T.
Protein change: p.Ala212Val; replaces alanine 212 with valine.
Molecular consequence: missense variant.
Genome position (GRCh38, 1-based): chr1:151,343,803, G>A on the plus strand (C>T on the coding strand, the complement: RFX5 is on the minus strand). VCF-style: chr1-151343803-G-A. GRCh37 (hg19) VCF-style: chr1-151316279-G-A.
Other names: c.635C>T, p.Ala212Val (NM_000449.4, NM_001379412.1, NM_001379413.1 and 5 more transcripts); c.515C>T, p.Ala172Val (NM_001379419.1, NM_001379420.1); short protein forms A212V, A172V.
Identifiers: ClinVar variation 2796587 (VCV002796587.3), dbSNP rs940480924, ClinGen allele CA29559432.

ClinVar aggregate classification (germline): Uncertain significance (1 of 4 stars; one submission).

Conditions:
MHC class II deficiency. Also called: Bare lymphocyte syndrome 2; BLS, TYPE II. Identifiers: Orphanet 572, MedGen C5447452, MONDO:0008855.

gnomAD v4.1: 1 of 1,614,144 alleles (0.000062%); highest among the groups gnomAD compares: Non-Finnish European, 0.000085%; no homozygotes.

Submission:

Labcorp Genetics (formerly Invitae), Labcorp
Classification: Uncertain significance for MHC class II deficiency. Last evaluated: 2025-05-19. Review status: criteria provided, single submitter. Criteria: Invitae Variant Classification Sherloc (09022015). Collection method: clinical testing. Allele origin: germline.
Comment: This sequence change replaces alanine, which is neutral and non-polar, with valine, which is neutral and non-polar, at codon 212 of the RFX5 protein (p.Ala212Val). This variant is not present in population databases (gnomAD no frequency). This variant has not been reported in the literature in individuals affected with RFX5-related conditions. ClinVar contains an entry for this variant (Variation ID: 2796587). An algorithm developed to predict the effect of missense changes on protein structure and function (PolyPhen-2) suggests that this variant is likely to be disruptive. In summary, the available evidence is currently insufficient to determine the role of this variant in disease. Therefore, it has been classified as a Variant of Uncertain Significance.